The following is an entry in ClinVar:

ClinVar aggregate classification (germline): Uncertain significance (1 of 4 stars; one submission).

Conditions:
Intellectual developmental disorder 61. Also called: MENTAL RETARDATION, AUTOSOMAL DOMINANT 61; INTELLECTUAL DEVELOPMENTAL DISORDER, AUTOSOMAL DOMINANT 61. Identifiers: MedGen C5231400, MONDO:0032485, OMIM 618009.

Submission:

3billion
Classification: Uncertain significance for Intellectual developmental disorder 61. Last evaluated: 2024-07-04. Review status: criteria provided, single submitter. Criteria: ACMG Guidelines, 2015. Collection method: clinical testing. Allele origin: germline. Affected: yes.
Comment: The variant is not observed in the gnomAD v4.0.0 dataset. Predicted Consequence/Location: The majority of the known disease-causing variants of this gene are variants expected to result in premature termination of the protein. In silico tool predictions suggest damaging effect of the variant on gene or gene product [REVEL: 0.61 (>=0.6, sensitivity 0.68 and specificity 0.92)]. Therefore, this variant is classified as VUS according to the recommendation of ACMG/AMP guideline.

NM_005121.3(MED13):c.983C>G (p.Pro328Arg)

Gene: MED13 (mediator complex subunit 13; minus strand). Cytogenetic location: 17q23.2.
Variant type: single nucleotide variant.
Coding change: c.983C>G on transcript NM_005121.3 (MANE Select); coding-DNA position 983, C replaced by G.
Protein change: p.Pro328Arg; replaces proline 328 with arginine.
Molecular consequence: missense variant.
Genome position (GRCh38, 1-based): chr17:62,031,470, G>C on the plus strand (C>G on the coding strand, the complement: MED13 is on the minus strand). VCF-style: chr17-62031470-G-C. GRCh37 (hg19) VCF-style: chr17-60108831-G-C.
Other names: short protein forms P328R.
Identifiers: ClinVar variation 4293668 (VCV004293668.1).